The following is an entry in ClinVar:

NM_004415.4(DSP):c.6214G>A (p.Ala2072Thr)

Gene: DSP (desmoplakin; plus strand). Cytogenetic location: 6p24.3.
Variant type: single nucleotide variant.
Coding change: c.6214G>A on transcript NM_004415.4 (MANE Select); coding-DNA position 6214, G replaced by A.
Protein change: p.Ala2072Thr; replaces alanine 2072 with threonine.
Molecular consequence: missense variant.
Genome position (GRCh38, 1-based): chr6:7,583,476, G>A. VCF-style: chr6-7583476-G-A. GRCh37 (hg19) VCF-style: chr6-7583709-G-A.
Other names: c.4417G>A, p.Ala1473Thr (NM_001008844.3); c.4885G>A, p.Ala1629Thr (NM_001319034.2); short protein forms A1473T, A2072T, A1629T.
Identifiers: ClinVar variation 919870 (VCV000919870.6), dbSNP rs1759520180, ClinGen allele CA362690320.

ClinVar aggregate classification (germline): Uncertain significance. Review status: criteria provided, multiple submitters, no conflicts (2 of 4 stars). 2 submissions from 2 submitters: Uncertain significance (2). Last evaluated 2024-05-23.

Conditions:
Cardiomyopathy (CMYO). Also called: Cardiomyopathies. Identifiers: Orphanet 167848, MedGen C0878544, MONDO:0004994, HP:0001638. Inheritance: Various modes of inheritance.
Arrhythmogenic cardiomyopathy with wooly hair and keratoderma. Also called: PALMOPLANTAR KERATODERMA WITH LEFT VENTRICULAR CARDIOMYOPATHY AND WOOLLY HAIR; Carvajal syndrome; Dilated cardiomyopathy with woolly hair and keratoderma; Arrhythmogenic cardiomyopathy with woolly hair and keratoderma. Identifiers: Orphanet 65282, MedGen C1854063, MONDO:0011581, OMIM 605676.
Arrhythmogenic right ventricular dysplasia 8 (ARVD8). Also called: Arrhythmogenic Right Ventricular Dysplasia/Cardiomyopathy 8; ARRHYTHMOGENIC RIGHT VENTRICULAR DYSPLASIA, FAMILIAL, 8; ARRHYTHMOGENIC RIGHT VENTRICULAR CARDIOMYOPATHY 8. Identifiers: MedGen C1843896, MONDO:0011831, OMIM 607450.

Submissions (2):

Labcorp Genetics (formerly Invitae), Labcorp
Classification: Uncertain significance for Arrhythmogenic cardiomyopathy with wooly hair and keratoderma; Arrhythmogenic right ventricular dysplasia 8. Last evaluated: 2024-05-23. Review status: criteria provided, single submitter. Criteria: Invitae Variant Classification Sherloc (09022015). Collection method: clinical testing. Allele origin: germline.
Comment: This sequence change replaces alanine, which is neutral and non-polar, with threonine, which is neutral and polar, at codon 2072 of the DSP protein (p.Ala2072Thr). This variant is not present in population databases (gnomAD no frequency). This variant has not been reported in the literature in individuals affected with DSP-related conditions. ClinVar contains an entry for this variant (Variation ID: 919870). An algorithm developed to predict the effect of missense changes on protein structure and function (PolyPhen-2) suggests that this variant is likely to be disruptive. In summary, the available evidence is currently insufficient to determine the role of this variant in disease. Therefore, it has been classified as a Variant of Uncertain Significance.

Color Diagnostics, LLC DBA Color Health
Classification: Uncertain significance for Cardiomyopathy. Last evaluated: 2024-03-06. Review status: criteria provided, single submitter. Criteria: ACMG Guidelines, 2015. Collection method: clinical testing. Allele origin: germline.
Comment: This missense variant replaces alanine with threonine at codon 2072 of the DSP protein. Computational prediction tool suggests that this variant may have deleterious impact on protein structure and function (internally defined REVEL score threshold >=0.7, PMID: 27666373). Splice site prediction tools suggest that this variant may not impact RNA splicing. To our knowledge, functional studies have not been performed for this variant. This variant has not been reported in individuals affected with cardiovascular disorders in the literature. This variant has not been identified in the general population by the Genome Aggregation Database (gnomAD). The available evidence is insufficient to determine the role of this variant in disease conclusively. Therefore, this variant is classified as a Variant of Uncertain Significance.